The following is an entry in ClinVar:

ClinVar aggregate classification (germline): Likely pathogenic. Review status: criteria provided, single submitter (1 of 4 stars). 2 submissions from 2 submitters: Likely pathogenic (1). 1 of the submissions does not count toward it. Last evaluated 2026-04-16.

Conditions:
Marfan syndrome (MFS). Also called: MARFAN SYNDROME, TYPE I; FBN1-Related Marfan Syndrome; Marfan syndrome type 1; Marfan's syndrome; Marfan syndrome, classic. Identifiers: Orphanet 284963, Orphanet 558, MedGen C0024796, MONDO:0007947, OMIM 154700.
Familial thoracic aortic aneurysm and aortic dissection (TAAD). Also called: Thoracic aortic aneurysms and dissections. Identifiers: Orphanet 91387, MedGen C4707243, MONDO:0019625.

Submissions (2):

Ambry Genetics
Classification: Likely pathogenic for Familial thoracic aortic aneurysm and aortic dissection. Last evaluated: 2026-04-16. Review status: criteria provided, single submitter. Criteria: Ambry Variant Classification Scheme 2023. Collection method: clinical testing. Allele origin: germline.
Comment: The p.T212P variant (also known as c.634A>C), located in coding exon 6 of the FBN1 gene, results from an A to C substitution at nucleotide position 634. The threonine at codon 212 is replaced by proline, an amino acid with highly similar properties. This variant was reported in individual(s) with features consistent with Marfan syndrome and related fibrillinopathies (Mannucci L et al. Clin Chim Acta, 2020 Feb;501:154-164; Ambry internal data). This amino acid position is highly conserved in available vertebrate species. In addition, this alteration is predicted to be deleterious by in silico analysis. This variant is considered to be rare based on population cohorts in the Genome Aggregation Database (gnomAD). Based on the majority of available evidence to date, this variant is likely to be pathogenic.

Sangiuolo Lab - Medical Genetics Laboratory, Tor Vergata University
Classification: Likely pathogenic for Marfan syndrome. Last evaluated: 2019-06-06. Review status: no assertion criteria provided. Collection method: clinical testing. Allele origin: germline. Affected: yes. Not counted in ClinVar's aggregate classification.

Literature cited by the submitters: PubMed 31730815 (cited by Ambry Genetics and Sangiuolo Lab - Medical Genetics Laboratory, Tor Vergata University).

NM_000138.5(FBN1):c.634A>C (p.Thr212Pro)

Gene: FBN1 (fibrillin 1; minus strand). Cytogenetic location: 15q21.1.
Variant type: single nucleotide variant.
Coding change: c.634A>C on transcript NM_000138.5 (MANE Select); coding-DNA position 634, A replaced by C.
Protein change: p.Thr212Pro; replaces threonine 212 with proline.
Molecular consequence: missense variant.
Genome position (GRCh38, 1-based): chr15:48,537,713, T>G on the plus strand (A>C on the coding strand, the complement: FBN1 is on the minus strand). VCF-style: chr15-48537713-T-G. GRCh37 (hg19) VCF-style: chr15-48829910-T-G.
Other names: short protein forms T212P.
Identifiers: ClinVar variation 684574 (VCV000684574.2), dbSNP rs1597593736, ClinGen allele CA392445992.
Genomic context (GRCh38, chr15:48,537,713, plus strand): 5'-GGCAGGGGTGAGGCTGGGCAGGACACATCTCACAGGGGTGGCCCCAGGCTCGGCCGACTG[T>G]GGCACAGCAGAGCGTTTTTGTGCAGACAATCCCGCTGAGTTGTCCCTGGCACATCTGGTT-3'
Protein context (NP_000129.3, residues 202-222): IVCTKTLCCA[Thr212Pro]VGRAWGHPCE